The following is an entry in ClinVar:

ClinVar aggregate classification (germline): Uncertain significance (1 of 4 stars; one submission).

Allele frequency attached by ClinVar (database versions not stated): gnomAD exomes below 0.00001.
gnomAD v4.1: 1 of 1,614,062 alleles (0.000062%); highest among the groups gnomAD compares: East Asian, 0.0022%; no homozygotes.

Submission:

Labcorp Genetics (formerly Invitae), Labcorp
Classification: Uncertain significance. Last evaluated: 2022-07-25. Review status: criteria provided, single submitter. Criteria: Invitae Variant Classification Sherloc (09022015). Collection method: clinical testing. Allele origin: germline.
Comment: This sequence change replaces serine, which is neutral and polar, with phenylalanine, which is neutral and non-polar, at codon 4728 of the HMCN1 protein (p.Ser4728Phe). This variant is not present in population databases (gnomAD no frequency). This variant has not been reported in the literature in individuals affected with HMCN1-related conditions. ClinVar contains an entry for this variant (Variation ID: 1389686). Algorithms developed to predict the effect of missense changes on protein structure and function are either unavailable or do not agree on the potential impact of this missense change (SIFT: "Deleterious"; PolyPhen-2: "Probably Damaging"; Align-GVGD: "Class C0"). In summary, the available evidence is currently insufficient to determine the role of this variant in disease. Therefore, it has been classified as a Variant of Uncertain Significance.

NM_031935.3(HMCN1):c.14183C>T (p.Ser4728Phe)

Gene: HMCN1 (hemicentin 1; plus strand). Cytogenetic location: 1q31.1.
Variant type: single nucleotide variant.
Coding change: c.14183C>T on transcript NM_031935.3 (MANE Select); coding-DNA position 14183, C replaced by T.
Protein change: p.Ser4728Phe; replaces serine 4728 with phenylalanine.
Molecular consequence: missense variant.
Genome position (GRCh38, 1-based): chr1:186,144,620, C>T. VCF-style: chr1-186144620-C-T. GRCh37 (hg19) VCF-style: chr1-186113752-C-T.
Other names: short protein forms S4728F.
Identifiers: ClinVar variation 1389686 (VCV001389686.6), dbSNP rs1650196834, ClinGen allele CA343915285.